The following is an entry in ClinVar:

ClinVar aggregate classification (germline): Uncertain significance (1 of 4 stars; one submission).

gnomAD v4.1: 1 of 1,610,292 alleles (0.000062%); highest among the groups gnomAD compares: Non-Finnish European, 0.000085%; no homozygotes.

Submission:

Labcorp Genetics (formerly Invitae), Labcorp
Classification: Uncertain significance. Last evaluated: 2022-07-21. Review status: criteria provided, single submitter. Criteria: Invitae Variant Classification Sherloc (09022015). Collection method: clinical testing. Allele origin: germline.
Comment: Algorithms developed to predict the effect of sequence changes on RNA splicing suggest that this variant may disrupt the consensus splice site. In summary, the available evidence is currently insufficient to determine the role of this variant in disease. Therefore, it has been classified as a Variant of Uncertain Significance. This variant has not been reported in the literature in individuals affected with ATR-related conditions. This variant is not present in population databases (gnomAD no frequency). This sequence change falls in intron 38 of the ATR gene. It does not directly change the encoded amino acid sequence of the ATR protein.

NM_001184.4(ATR):c.6553-16C>G

Gene: ATR (ATR checkpoint kinase; minus strand). Cytogenetic location: 3q23.
Variant type: single nucleotide variant.
Coding change: c.6553-16C>G on transcript NM_001184.4 (MANE Select); 16 bases into the intron before coding-DNA position 6553, C replaced by G.
Molecular consequence: intron variant.
Genome position (GRCh38, 1-based): chr3:142,468,084, G>C on the plus strand (C>G on the coding strand, the complement: ATR is on the minus strand). VCF-style: chr3-142468084-G-C. GRCh37 (hg19) VCF-style: chr3-142186926-G-C.
Other names: c.6361-16C>G (NM_001354579.2).
Identifiers: ClinVar variation 2156931 (VCV002156931.4), dbSNP rs2108276394, ClinGen allele CA2580068883.